The following is an entry in ClinVar:

ClinVar aggregate classification (germline): Uncertain significance (1 of 4 stars; one submission).

Conditions:
Hyper-IgE recurrent infection syndrome 3, autosomal recessive. Also called: Autosomal recessive hyper-IgE syndrome due to ZNF341 deficiency; HYPER-IgE SYNDROME 3, AUTOSOMAL RECESSIVE, WITH RECURRENT INFECTIONS. Identifiers: Orphanet 641368, MedGen C4748969, MONDO:0032654, OMIM 618282.

Submission:

Labcorp Genetics (formerly Invitae), Labcorp
Classification: Uncertain significance for Combined immunodeficiency due to DOCK8 deficiency. Last evaluated: 2023-08-04. Review status: criteria provided, single submitter. Criteria: Invitae Variant Classification Sherloc (09022015). Collection method: clinical testing. Allele origin: germline.
Comment: In summary, the available evidence is currently insufficient to determine the role of this variant in disease. Therefore, it has been classified as a Variant of Uncertain Significance. Experimental studies and prediction algorithms are not available or were not evaluated, and the functional significance of this variant is currently unknown. This variant has not been reported in the literature in individuals affected with DOCK8-related conditions. This variant results in a copy number gain of the genomic region encompassing exon(s) 45-48 of the DOCK8 gene. This region includes the termination codon of the gene. This copy number gain extends beyond the assayed region for this gene and therefore may encompass additional genes. As the precise location of this event is unknown, it may be in tandem or it may be located elsewhere in the genome.

NC_000009.11:g.(?_449764)_(464219_?)dup

Gene: DOCK8 (dedicator of cytokinesis 8; plus strand). Cytogenetic location: 9p24.3.
Variant type: Duplication.
Identifiers: ClinVar variation 1413028 (VCV001413028.8).